The following is an entry in ClinVar:

NM_001042492.3(NF1):c.5945C>G (p.Thr1982Ser)

Gene: NF1 (neurofibromin 1; plus strand). Cytogenetic location: 17q11.2.
Variant type: single nucleotide variant.
Coding change: c.5945C>G on transcript NM_001042492.3 (MANE Select); coding-DNA position 5945, C replaced by G.
Protein change: p.Thr1982Ser; replaces threonine 1982 with serine.
Molecular consequence: missense variant.
Genome position (GRCh38, 1-based): chr17:31,334,970, C>G. VCF-style: chr17-31334970-C-G. GRCh37 (hg19) VCF-style: chr17-29661988-C-G.
Other names: c.5882C>G, p.Thr1961Ser (NM_000267.4); short protein forms T1961S, T1982S.
Identifiers: ClinVar variation 2816048 (VCV002816048.3), dbSNP rs1336219677, ClinGen allele CA399010842.

ClinVar aggregate classification (germline): Uncertain significance (1 of 4 stars; one submission).

Conditions:
Neurofibromatosis, type 1 (NF1). Also called: VON RECKLINGHAUSEN DISEASE; Peripheral type neurofibromatosis; Neurofibromatosis, type I; NEUROFIBROMATOSIS, TYPE I, SOMATIC. Identifiers: Orphanet 636, MedGen C0027831, MONDO:0018975, OMIM 162200. Disease mechanism: loss of function.

Submission:

Labcorp Genetics (formerly Invitae), Labcorp
Classification: Uncertain significance for Neurofibromatosis, type 1. Last evaluated: 2022-12-31. Review status: criteria provided, single submitter. Criteria: Invitae Variant Classification Sherloc (09022015). Collection method: clinical testing. Allele origin: germline.
Comment: This sequence change replaces threonine, which is neutral and polar, with serine, which is neutral and polar, at codon 1961 of the NF1 protein (p.Thr1961Ser). This variant is not present in population databases (gnomAD no frequency). In summary, the available evidence is currently insufficient to determine the role of this variant in disease. Therefore, it has been classified as a Variant of Uncertain Significance. Advanced modeling of protein sequence and biophysical properties (such as structural, functional, and spatial information, amino acid conservation, physicochemical variation, residue mobility, and thermodynamic stability) performed at Invitae indicates that this missense variant is expected to disrupt NF1 protein function. This variant has not been reported in the literature in individuals affected with NF1-related conditions.